The following is an entry in ClinVar:

NM_020964.3(EPG5):c.4646+2T>C

Gene: EPG5 (ectopic P-granules 5 autophagy tethering factor; minus strand). Cytogenetic location: 18q21.1.
Variant type: single nucleotide variant.
Coding change: c.4646+2T>C on transcript NM_020964.3 (MANE Select); the canonical splice donor site of the intron after coding-DNA position 4646, T replaced by C.
Molecular consequence: splice donor variant.
Genome position (GRCh38, 1-based): chr18:45,900,994, A>G on the plus strand (T>C on the coding strand, the complement: EPG5 is on the minus strand). VCF-style: chr18-45900994-A-G. GRCh37 (hg19) VCF-style: chr18-43480959-A-G.
Other names: NC_000018.9:g.43480959A>G; c.4646+2T>C (NM_001410858.1, NM_001410859.1).
Identifiers: ClinVar variation 422176 (VCV000422176.3), dbSNP rs1064795606, ClinGen allele CA16620691.
Genomic context (GRCh38, chr18:45,900,994, plus strand): 5'-ATTATCCAGGCTGTCAAAGCCACCAACATGGGAACATGATCCGTGAGGCTGCATGGTCTT[A>G]CCTGGCCTGCTGTTGCAACAGATTCAGGTCTGTGCACACCAGCTGGGTGGCGTCCTTCTG-3'

ClinVar aggregate classification (germline): Likely pathogenic (1 of 4 stars; one submission).

Allele frequency attached by ClinVar (database versions not stated): gnomAD exomes below 0.00001; TOPMed below 0.00001; gnomAD 0.00001.
gnomAD v4.1: 2 of 1,612,572 alleles (0.00012%); highest among the groups gnomAD compares: Non-Finnish European, 0.00017%; no homozygotes.

Submissions (2):

GeneDx
Classification: Likely pathogenic. Last evaluated: 2016-09-12. Review status: criteria provided, single submitter. Criteria: GeneDx Variant Classification (06012015). Collection method: clinical testing. Allele origin: germline. Affected: yes.
Comment: The c.4646+2T>C variant in the EPG5 gene has not been reported previously as a pathogenic variant nor as a benign variant, to our knowledge. This splice site variant destroys the canonical splice donor site in intron 26 which is predicted to cause abnormal gene splicing. However, in the absence of RNA/functional studies, the actual effect of c.4646+2T>C in this individual is unknown. The c.4646+2T>C variant was not observed in approximately 6400 individuals of European and African American ancestry in the NHLBI Exome Sequencing Project, indicating it is not a common benign variant in these populations. The c.4646+2T>C variant is a strong candidate for a pathogenic variant, however the possibility it may be a rare benign variant cannot be excluded.

Dr. Peter K. Rogan Lab, Western University
No classification provided (evidence only). Condition: Malignant tumor of urinary bladder. Review status: no classification provided. Collection method: in vitro. Allele origin: not applicable. Functional consequence: skipped exon. Not counted in ClinVar's aggregate classification.